The following is an entry in ClinVar:

ClinVar aggregate classification (germline): Conflicting classifications of pathogenicity. Review status: criteria provided, conflicting classifications (1 of 4 stars). 5 submissions from 5 submitters: Uncertain significance (1); Likely benign (4). Last evaluated 2025-05-21.

Allele frequency attached by ClinVar (database versions not stated): TOPMed 0.00029; ESP Exome Variant Server 0.00031.
gnomAD v4.1: 569 of 1,613,908 alleles (0.035%); highest among the groups gnomAD compares: Non-Finnish European, 0.045%; no homozygotes.

Submissions (5):

Labcorp Genetics (formerly Invitae), Labcorp
Classification: Likely benign. Last evaluated: 2025-05-21. Review status: criteria provided, single submitter. Criteria: Invitae Variant Classification Sherloc (09022015). Collection method: clinical testing. Allele origin: germline.

Blueprint Genetics
Classification: Likely benign. Last evaluated: 2024-06-19. Review status: criteria provided, single submitter. Criteria: ACMG Guidelines, 2015. Collection method: clinical testing. Allele origin: germline.

GeneDx
Classification: Likely benign. Last evaluated: 2020-07-16. Review status: criteria provided, single submitter. Criteria: GeneDx Variant Classification Process June 2021. Collection method: clinical testing. Allele origin: germline. Affected: yes.

Eurofins Ntd Llc (ga)
Classification: Uncertain significance. Last evaluated: 2016-03-21. Review status: criteria provided, single submitter. Criteria: EGL Classification Definitions 2015. Collection method: clinical testing. Allele origin: germline. Observed: 1 variant allele, 1 heterozygote.

Laboratory for Molecular Medicine, Mass General Brigham Personalized Medicine
Classification: Likely benign. Last evaluated: 2012-04-30. Review status: criteria provided, single submitter. Criteria: LMM Criteria. Collection method: clinical testing. Allele origin: germline. Observed: 2 variant alleles.
Comment: Val1195Val in Exon 30 of MYO3A: This variant is not expected to have clinical si gnificance because it does not alter an amino acid residue, is not located withi n the splice consensus sequence, and has been identified in 1/7020 European Amer ican chromosomes from a broad population by the NHLBI Exome Sequencing Project.

NM_017433.5(MYO3A):c.3585G>T (p.Val1195=)

Gene: MYO3A (myosin IIIA; plus strand). Cytogenetic location: 10p12.1.
Variant type: single nucleotide variant.
Coding change: c.3585G>T on transcript NM_017433.5 (MANE Select); coding-DNA position 3585, G replaced by T.
Protein change: p.Val1195=; no amino-acid change (valine 1195 retained).
Molecular consequence: synonymous variant.
Genome position (GRCh38, 1-based): chr10:26,173,849, G>T. VCF-style: chr10-26173849-G-T. GRCh37 (hg19) VCF-style: chr10-26462778-G-T.
Identifiers: ClinVar variation 178470 (VCV000178470.16), dbSNP rs372169216, ClinGen allele CA182394.